The following is an entry in ClinVar:

NM_000273.3(GPR143):c.24del (p.Phe9fs)

Gene: GPR143 (G protein-coupled receptor 143; minus strand). Cytogenetic location: Xp22.2.
Variant type: Deletion.
Coding change: c.24del on transcript NM_000273.3 (MANE Select); coding-DNA position 24, one base deleted (C; older notation c.24delC).
Protein change: p.Phe9fs; shifts the reading frame from phenylalanine 9.
Molecular consequence: frameshift variant.
Genome position (GRCh38, 1-based): chrX:9,765,794, G deleted on the plus strand (C on the coding strand, the reverse complement: GPR143 is on the minus strand); the first of 2 consecutive G bases (chrX:9,765,794-9,765,795); deleting either gives the same sequence. VCF-style (leftmost placement, unchanged base first): chrX-9765793-AG-A. GRCh37 (hg19) VCF-style: chrX-9733833-AG-A.
Other names: short protein forms F9fs.
Identifiers: ClinVar variation 2095401 (VCV002095401.4), dbSNP rs2518642463, ClinGen allele CA2580102084.

ClinVar aggregate classification (germline): Pathogenic (1 of 4 stars; one submission).

Submission:

Labcorp Genetics (formerly Invitae), Labcorp
Classification: Pathogenic. Last evaluated: 2022-06-26. Review status: criteria provided, single submitter. Criteria: Invitae Variant Classification Sherloc (09022015). Collection method: clinical testing. Allele origin: germline.
Comment: For these reasons, this variant has been classified as Pathogenic. This variant has not been reported in the literature in individuals affected with GPR143-related conditions. This variant is not present in population databases (gnomAD no frequency). This sequence change creates a premature translational stop signal (p.Phe9Serfs*14) in the GPR143 gene. It is expected to result in an absent or disrupted protein product. Loss-of-function variants in GPR143 are known to be pathogenic (PMID: 15965158, 18978956, 19390656, 21541274, 26160353, 28211458).

Literature cited by the submitters: PubMed 15965158; PubMed 18978956; PubMed 19390656; PubMed 21541274; PubMed 26160353; PubMed 28211458.